The following is an entry in ClinVar:

GRCh37/hg19 22q11.23(chr22:23891773-24991691)x3

Genes: ADORA2A (adenosine A2a receptor; plus strand), C22orf15 (chromosome 22 open reading frame 15; plus strand), CABIN1 (calcineurin binding protein 1; plus strand), CHCHD10 (coiled-coil-helix-coiled-coil-helix domain containing 10; minus strand), DDT (D-dopachrome tautomerase; minus strand) and 22 more. Cytogenetic location: 22q11.23.
Variant type: copy number gain.
Change: copy number 3 (three copies instead of two) of chr22:23,891,773-24,991,691 (1.10 Mb, GRCh37 coordinates, 1-based), cytogenetic band 22q11.23.
Identifiers: ClinVar variation 219016 (VCV000219016.5).

ClinVar aggregate classification (germline): Likely pathogenic (1 of 4 stars; one submission).

Submission:

Cytogenetics Laboratory, University of Washington
Classification: Likely pathogenic. Last evaluated: 2015-06-29. Review status: criteria provided, single submitter. Criteria: UW Cytogenetics and Genomics Laboratory Policy on CNV Interpretation (5/6/2015). Collection method: clinical testing. Allele origin: unknown. Affected: yes. Observed: 1 variant allele.

Literature cited by the submitters: PubMed 19193630; PubMed 26099517.